The following is an entry in ClinVar:

NM_016169.4(SUFU):c.183G>T (p.Trp61Cys)

Gene: SUFU (SUFU negative regulator of hedgehog signaling; plus strand). Cytogenetic location: 10q24.32.
Variant type: single nucleotide variant.
Coding change: c.183G>T on transcript NM_016169.4 (MANE Select); coding-DNA position 183, G replaced by T.
Protein change: p.Trp61Cys; replaces tryptophan 61 with cysteine.
Molecular consequence: missense variant.
Genome position (GRCh38, 1-based): chr10:102,509,169, G>T. VCF-style: chr10-102509169-G-T. GRCh37 (hg19) VCF-style: chr10-104268926-G-T.
Other names: c.183G>T, p.Trp61Cys (NM_001178133.2); short protein forms W61C.
Identifiers: ClinVar variation 3323535 (VCV003323535.1).

ClinVar aggregate classification (germline): Uncertain significance (1 of 4 stars; one submission).

Conditions:
Hereditary cancer-predisposing syndrome. Also called: Neoplastic Syndromes, Hereditary; Tumor predisposition; Hereditary neoplastic syndrome; Hereditary Cancer Syndrome. Identifiers: Orphanet 140162, MedGen C0027672, MeSH D009386, MONDO:0015356.

Submission:

Ambry Genetics
Classification: Uncertain significance for Hereditary cancer-predisposing syndrome. Last evaluated: 2024-03-20. Review status: criteria provided, single submitter. Criteria: Ambry Variant Classification Scheme 2023. Collection method: clinical testing. Allele origin: germline.
Comment: The p.W61C variant (also known as c.183G>T) is located in coding exon 2 of the SUFU gene. The tryptophan at codon 61 is replaced by cysteine, an amino acid with highly dissimilar properties. This change occurs in the first base pair of coding exon 2. This amino acid position is conserved. In addition, this alteration is predicted to be deleterious by in silico analysis. Based on the available evidence, the clinical significance of this alteration remains unclear.